The following is an entry in ClinVar:

NC_000015.9:g.(?_45927226)_(45983480_?)del

Gene: SQOR (sulfide quinone oxidoreductase; plus strand). Cytogenetic location: 15q21.1.
Variant type: Deletion.
Identifiers: ClinVar variation 3366780 (VCV003366780.1).

ClinVar aggregate classification (germline): Uncertain significance (1 of 4 stars; one submission).

Submission:

Women's Health and Genetics/Laboratory Corporation of America, LabCorp
Classification: Uncertain significance. Last evaluated: 2024-08-15. Review status: criteria provided, single submitter. Criteria: LabCorp Variant Classification Summary - May 2015. Collection method: clinical testing. Allele origin: germline.
Comment: Variant summary: The variant involves the deletion of exons 1-10 in the SQOR gene. A presumed nomenclature of c.(?_-98)_(*252_?)del has been designated for the purposes of this classification. This deletion includes the entire coding sequence of the gene. As the exact proximal and distal breakpoints are unknown, it may extend beyond the annotated region of the gene to include other flanking genes. Current evidence is not sufficient to establish loss of function as a mechanism for disease. The variant was absent in 21694 control chromosomes. The available data on variant occurrences in the general population are insufficient to allow any conclusion about variant significance. To our knowledge, no occurrence of c.(?_-98)_(*252_?)del in individuals affected with Sulfide Quinone Oxidoreductase Deficiency and no experimental evidence demonstrating its impact on protein function have been reported. No submitters have cited clinical-significance assessments for this variant to ClinVar. Based on the evidence outlined above, the variant was classified as uncertain significance.